The following is an entry in ClinVar:

ClinVar aggregate classification (germline): Conflicting classifications of pathogenicity. Review status: criteria provided, conflicting classifications (1 of 4 stars). 9 submissions from 7 submitters: Uncertain significance (4); Likely benign (3). 2 of the submissions do not count toward it. Last evaluated 2026-01-21.

Conditions:
RPGRIP1L-related disorder. Also called: RPGRIP1L-related condition; RPGRIP1L-related disorders. Identifiers: MedGen CN239416.
Meckel-Gruber syndrome. Also called: DYSENCEPHALIA SPLANCHNOCYSTICA; GRUBER SYNDROME; Dysencephalia splachnocystica. Identifiers: Orphanet 564, MedGen C0265215, MONDO:0018921.
Joubert syndrome. Also called: Familial aplasia of the vermis; JOUBERT-BOLTSHAUSER SYNDROME. Identifiers: Orphanet 475, MedGen C5979921, MONDO:0018772.
Meckel syndrome, type 5 (MKS5). Identifiers: Orphanet 564, MedGen C1969052, MONDO:0012695, OMIM 611561.
Nephronophthisis 8. Identifiers: MedGen CN119610.
Joubert syndrome 7 (JBTS7). Identifiers: Orphanet 220497, MedGen C1969053, MONDO:0012694, OMIM 611560.

Allele frequency attached by ClinVar (database versions not stated): ExAC 0.00012; gnomAD exomes 0.00014 and 0.00035; ESP Exome Variant Server 0.00015; gnomAD 0.00016; TOPMed 0.00029.
gnomAD v4.1: 530 of 1,603,294 alleles (0.033%); highest among the groups gnomAD compares: Non-Finnish European, 0.043%; no homozygotes.

Submissions (9):

Labcorp Genetics (formerly Invitae), Labcorp
Classification: Likely benign for Joubert syndrome; Meckel-Gruber syndrome. Last evaluated: 2026-01-21. Review status: criteria provided, single submitter. Criteria: Invitae Variant Classification Sherloc (09022015). Collection method: clinical testing. Allele origin: germline.

Blueprint Genetics
Classification: Likely benign. Last evaluated: 2024-11-18. Review status: criteria provided, single submitter. Criteria: ACMG Guidelines, 2015. Collection method: clinical testing. Allele origin: germline.

Illumina Laboratory Services, Illumina
Classification: Uncertain significance for Nephronophthisis 8. Last evaluated: 2018-01-13. Review status: criteria provided, single submitter. Criteria: ICSL Variant Classification Criteria 13 December 2019. Collection method: clinical testing. Allele origin: germline.

Illumina Laboratory Services, Illumina
Classification: Uncertain significance for Meckel syndrome, type 5. Last evaluated: 2018-01-13. Review status: criteria provided, single submitter. Criteria: ICSL Variant Classification Criteria 13 December 2019. Collection method: clinical testing. Allele origin: germline.

Illumina Laboratory Services, Illumina
Classification: Uncertain significance for Joubert syndrome 7. Last evaluated: 2018-01-13. Review status: criteria provided, single submitter. Criteria: ICSL Variant Classification Criteria 13 December 2019. Collection method: clinical testing. Allele origin: germline.

GeneDx
Classification: Likely benign. Last evaluated: 2017-07-14. Review status: criteria provided, single submitter. Criteria: GeneDx Variant Classification (06012015). Collection method: clinical testing. Allele origin: germline. Affected: yes.
Comment: This variant is considered likely benign or benign based on one or more of the following criteria: it is a conservative change, it occurs at a poorly conserved position in the protein, it is predicted to be benign by multiple in silico algorithms, and/or has population frequency not consistent with disease.

Eurofins Ntd Llc (ga)
Classification: Uncertain significance. Last evaluated: 2015-10-20. Review status: criteria provided, single submitter. Criteria: EGL Classification Definitions 2015. Collection method: clinical testing. Allele origin: germline. Observed: 1 variant allele, 1 heterozygote.

Natera, Inc.
Classification: Uncertain significance for Joubert syndrome. Last evaluated: 2020-01-24. Review status: no assertion criteria provided. Collection method: clinical testing. Allele origin: germline. Not counted in ClinVar's aggregate classification.

PreventionGenetics, part of Exact Sciences
Classification: Likely benign for RPGRIP1L-related condition. Last evaluated: 2019-07-31. Review status: no assertion criteria provided. Collection method: clinical testing. Allele origin: germline. Not counted in ClinVar's aggregate classification.
Comment: This variant is classified as likely benign based on ACMG/AMP sequence variant interpretation guidelines (Richards et al. 2015 PMID: 25741868, with internal and published modifications).

NM_015272.5(RPGRIP1L):c.3616+7A>G

Gene: RPGRIP1L (RPGRIP1 like; minus strand). Cytogenetic location: 16q12.2.
Variant type: single nucleotide variant.
Coding change: c.3616+7A>G on transcript NM_015272.5 (MANE Select); 7 bases into the intron after coding-DNA position 3616, A replaced by G.
Molecular consequence: intron variant.
Genome position (GRCh38, 1-based): chr16:53,619,018, T>C on the plus strand (A>G on the coding strand, the complement: RPGRIP1L is on the minus strand). VCF-style: chr16-53619018-T-C. GRCh37 (hg19) VCF-style: chr16-53652930-T-C.
Other names: c.3376+7A>G (NM_001127897.4); c.3514+7A>G (NM_001330538.2); c.3478+7A>G (NM_001308334.3); c.3616+7A>G (NM_015272.4).
Identifiers: ClinVar variation 283822 (VCV000283822.24), dbSNP rs373003699, ClinGen allele CA8057251.